The following is an entry in ClinVar:

ClinVar aggregate classification (germline): Uncertain significance (1 of 4 stars; one submission).

Submission:

Labcorp Genetics (formerly Invitae), Labcorp
Classification: Uncertain significance. Last evaluated: 2021-08-27. Review status: criteria provided, single submitter. Criteria: Invitae Variant Classification Sherloc (09022015). Collection method: clinical testing. Allele origin: germline.
Comment: This sequence change falls in intron 3 of the MTTP gene. It does not directly change the encoded amino acid sequence of the MTTP protein. This variant is not present in population databases (ExAC no frequency). This variant has not been reported in the literature in individuals affected with MTTP-related conditions. Algorithms developed to predict the effect of sequence changes on RNA splicing suggest that this variant may create or strengthen a splice site. In summary, the available evidence is currently insufficient to determine the role of this variant in disease. Therefore, it has been classified as a Variant of Uncertain Significance.

NM_001386140.1(MTTP):c.249+19A>G

Gene: MTTP (microsomal triglyceride transfer protein; plus strand). Cytogenetic location: 4q23.
Variant type: single nucleotide variant.
Coding change: c.249+19A>G on transcript NM_001386140.1 (MANE Select); 19 bases into the intron after coding-DNA position 249, A replaced by G.
Molecular consequence: intron variant.
Genome position (GRCh38, 1-based): chr4:99,582,111, A>G. VCF-style: chr4-99582111-A-G. GRCh37 (hg19) VCF-style: chr4-100503268-A-G.
Other names: c.249+19A>G (NM_000253.4); c.-1+19A>G (NM_001300785.2).
Identifiers: ClinVar variation 1401605 (VCV001401605.5), dbSNP rs2110211967, ClinGen allele CA2573138635.